The following is an entry in ClinVar:

NM_001105206.3(LAMA4):c.1813A>G (p.Ser605Gly)

Gene: LAMA4 (laminin subunit alpha 4; minus strand). Cytogenetic location: 6q21.
Variant type: single nucleotide variant.
Coding change: c.1813A>G on transcript NM_001105206.3 (MANE Select); coding-DNA position 1813, A replaced by G.
Protein change: p.Ser605Gly; replaces serine 605 with glycine.
Molecular consequence: missense variant.
Genome position (GRCh38, 1-based): chr6:112,158,736, T>C on the plus strand (A>G on the coding strand, the complement: LAMA4 is on the minus strand). VCF-style: chr6-112158736-T-C. GRCh37 (hg19) VCF-style: chr6-112479938-T-C.
Other names: c.1792A>G, p.Ser598Gly (NM_001105207.3, NM_002290.5); short protein forms S598G, S605G.
Identifiers: ClinVar variation 1037534 (VCV001037534.14), dbSNP rs112884471, ClinGen allele CA3965677.
Genomic context (GRCh38, chr6:112,158,736, plus strand): 5'-AGTAATATTTTATTCACCCCATGTAGATATTTGCATTTCTAAAACCAGGATATTACCTGC[T>C]CAATTCATTAGCTTCTTGTTGAAGGTCCTGTGCATGGTCAATAGCTTCTTGGACTAAATC-3'
Protein context (NP_001098676.2, residues 595-615): QDLQQEANEL[Ser605Gly]RKLHSSDMNG

ClinVar aggregate classification (germline): Uncertain significance. Review status: criteria provided, multiple submitters, no conflicts (2 of 4 stars). 5 submissions from 5 submitters: Uncertain significance (5). Last evaluated 2026-05-18.

Conditions:
Cardiovascular phenotype. Identifiers: MedGen CN230736.
Dilated cardiomyopathy 1JJ (CMD1JJ). Identifiers: Orphanet 154, MedGen C3808935, MONDO:0014095, OMIM 615235.

Allele frequency attached by ClinVar (database versions not stated): ExAC 0.00002; gnomAD 0.00002; ESP Exome Variant Server 0.00015; TOPMed 0.00004; gnomAD exomes 0.00001 and below 0.00001.
gnomAD v4.1: 7 of 1,613,414 alleles (0.00043%); highest among the groups gnomAD compares: African/African-American, 0.0093%; no homozygotes.

Submissions (5):

Women's Health and Genetics/Laboratory Corporation of America, LabCorp
Classification: Uncertain significance. Last evaluated: 2026-05-18. Review status: criteria provided, single submitter. Criteria: LabCorp Variant Classification Summary - May 2015. Collection method: clinical testing. Allele origin: germline.

Labcorp Genetics (formerly Invitae), Labcorp
Classification: Uncertain significance for Dilated cardiomyopathy 1JJ. Last evaluated: 2023-10-15. Review status: criteria provided, single submitter. Criteria: Invitae Variant Classification Sherloc (09022015). Collection method: clinical testing. Allele origin: germline.
Comment: This sequence change replaces serine, which is neutral and polar, with glycine, which is neutral and non-polar, at codon 598 of the LAMA4 protein (p.Ser598Gly). This variant is present in population databases (rs112884471, gnomAD 0.01%). This variant has not been reported in the literature in individuals affected with LAMA4-related conditions. ClinVar contains an entry for this variant (Variation ID: 1037534). An algorithm developed to predict the effect of missense changes on protein structure and function (PolyPhen-2) suggests that this variant is likely to be tolerated. In summary, the available evidence is currently insufficient to determine the role of this variant in disease. Therefore, it has been classified as a Variant of Uncertain Significance.

Ambry Genetics
Classification: Uncertain significance for Cardiovascular phenotype. Last evaluated: 2022-06-27. Review status: criteria provided, single submitter. Criteria: Ambry Variant Classification Scheme 2023. Collection method: clinical testing. Allele origin: germline.
Comment: The p.S598G variant (also known as c.1792A>G), located in coding exon 13 of the LAMA4 gene, results from an A to G substitution at nucleotide position 1792. The serine at codon 598 is replaced by glycine, an amino acid with similar properties. This amino acid position is conserved. In addition, this alteration is predicted to be tolerated by in silico analysis. Since supporting evidence is limited at this time, the clinical significance of this alteration remains unclear.

Fulgent Genetics
Classification: Uncertain significance for Dilated cardiomyopathy 1JJ. Last evaluated: 2021-10-01. Review status: criteria provided, single submitter. Criteria: ACMG Guidelines, 2015. Collection method: clinical testing. Allele origin: unknown.

GeneDx
Classification: Uncertain significance. Last evaluated: 2021-04-06. Review status: criteria provided, single submitter. Criteria: GeneDx Variant Classification Process June 2021. Collection method: clinical testing. Allele origin: germline. Affected: yes.
Comment: Has not been previously published as pathogenic or benign to our knowledge; Not observed at a significant frequency in large population cohorts (Lek et al., 2016); In silico analysis supports that this missense variant has a deleterious effect on protein structure/function